The following is an entry in ClinVar:

ClinVar aggregate classification (germline): Pathogenic (1 of 4 stars; one submission).

Conditions:
Ehlers-Danlos syndrome, classic type, 1 (EDSCL1). Also called: EDS I; EHLERS-DANLOS SYNDROME, GRAVIS TYPE; EHLERS-DANLOS SYNDROME, SEVERE CLASSIC TYPE; Ehlers-Danlos syndrome, type 1; Ehlers-Danlos Syndrome, Classic Type, COL5A1-Related. Identifiers: MedGen C0268335, MONDO:0019567, OMIM 130000.

Submission:

Labcorp Genetics (formerly Invitae), Labcorp
Classification: Pathogenic for Ehlers-Danlos syndrome, classic type, 1. Last evaluated: 2022-02-27. Review status: criteria provided, single submitter. Criteria: Invitae Variant Classification Sherloc (09022015). Collection method: clinical testing. Allele origin: germline.
Comment: For these reasons, this variant has been classified as Pathogenic. This variant has not been reported in the literature in individuals affected with COL5A1-related conditions. This variant is a gross deletion of the genomic region encompassing exon(s) 1-2 of the COL5A1 gene, which includes the initiator codon. This deletion extends beyond the assayed region for this gene and therefore may encompass additional genes. It is expected to result in an absent or disrupted protein product. Loss-of-function variants in COL5A1 are known to be pathogenic (PMID: 23587214).

Literature cited by the submitters: PubMed 23587214.

NC_000009.11:g.(?_137534034)_(137582945_?)del

Gene: COL5A1 (collagen type V alpha 1 chain; plus strand). Cytogenetic location: 9q34.3.
Variant type: Deletion.
Identifiers: ClinVar variation 2422350 (VCV002422350.7).